The following is an entry in ClinVar:

ClinVar aggregate classification (germline): Uncertain significance (1 of 4 stars; one submission).

Submission:

Labcorp Genetics (formerly Invitae), Labcorp
Classification: Uncertain significance. Last evaluated: 2026-01-24. Review status: criteria provided, single submitter. Criteria: Invitae Variant Classification Sherloc (09022015). Collection method: clinical testing. Allele origin: germline.
Comment: This sequence change replaces glycine, which is neutral and non-polar, with aspartic acid, which is acidic and polar, at codon 772 of the GRIN2D protein (p.Gly772Asp). This variant is not present in population databases (gnomAD no frequency). This variant has not been reported in the literature in individuals affected with GRIN2D-related conditions. Invitae Evidence Modeling of protein sequence and biophysical properties (such as structural, functional, and spatial information, amino acid conservation, physicochemical variation, residue mobility, and thermodynamic stability) indicates that this missense variant is not expected to disrupt GRIN2D protein function with a negative predictive value of 80%. In summary, the available evidence is currently insufficient to determine the role of this variant in disease. Therefore, it has been classified as a Variant of Uncertain Significance.

NM_000836.4(GRIN2D):c.2315G>A (p.Gly772Asp)

Gene: GRIN2D (glutamate ionotropic receptor NMDA type subunit 2D; plus strand). Cytogenetic location: 19q13.33.
Variant type: single nucleotide variant.
Coding change: c.2315G>A on transcript NM_000836.4 (MANE Select); coding-DNA position 2315, G replaced by A.
Protein change: p.Gly772Asp; replaces glycine 772 with aspartic acid.
Molecular consequence: missense variant.
Genome position (GRCh38, 1-based): chr19:48,441,831, G>A. VCF-style: chr19-48441831-G-A. GRCh37 (hg19) VCF-style: chr19-48945088-G-A.
Other names: short protein forms G772D.
Identifiers: ClinVar variation 4744704 (VCV004744704.1).
Genomic context (GRCh38, chr19:48,441,831, plus strand): 5'-AGCTGGACGCCTTCATCTACGATGCTGCAGTGCTCAATTACATGGCCCGCAAGGACGAGG[G>A]CTGCAAGCTTGTCACCATCGGCTCCGGCAAGGTCTTCGCCACGACAGGCTATGGCATCGC-3'
Protein context (NP_000827.2, residues 762-782): VLNYMARKDE[Gly772Asp]CKLVTIGSGK